The following is an entry in ClinVar:

NM_003640.5(ELP1):c.3286-1G>T

Gene: ELP1 (elongator acetyltransferase complex subunit 1; minus strand). Cytogenetic location: 9q31.3.
Variant type: single nucleotide variant.
Coding change: c.3286-1G>T on transcript NM_003640.5 (MANE Select); the canonical splice acceptor site of the intron before coding-DNA position 3286, G replaced by T.
Molecular consequence: splice acceptor variant.
Genome position (GRCh38, 1-based): chr9:108,881,766, C>A on the plus strand (G>T on the coding strand, the complement: ELP1 is on the minus strand). VCF-style: chr9-108881766-C-A. GRCh37 (hg19) VCF-style: chr9-111644046-C-A.
Other names: c.2944-1G>T (NM_001318360.2); c.2239-1G>T (NM_001330749.2).
Identifiers: ClinVar variation 1506689 (VCV001506689.6), dbSNP rs1159691474, ClinGen allele CA374413345.

ClinVar aggregate classification (germline): Likely pathogenic (1 of 4 stars; one submission).

Submission:

Labcorp Genetics (formerly Invitae), Labcorp
Classification: Likely pathogenic. Last evaluated: 2021-09-24. Review status: criteria provided, single submitter. Criteria: Invitae Variant Classification Sherloc (09022015). Collection method: clinical testing. Allele origin: germline.
Comment: This sequence change affects an acceptor splice site in intron 30 of the ELP1 gene. It is expected to disrupt RNA splicing. Variants that disrupt the donor or acceptor splice site typically lead to a loss of protein function (PMID: 16199547), and loss-of-function variants in ELP1 are known to be pathogenic (PMID: 18303054, 24173031). This variant is not present in population databases (ExAC no frequency). This variant has not been reported in the literature in individuals affected with ELP1-related conditions. Algorithms developed to predict the effect of sequence changes on RNA splicing suggest that this variant may disrupt the consensus splice site. In summary, the currently available evidence indicates that the variant is pathogenic, but additional data are needed to prove that conclusively. Therefore, this variant has been classified as Likely Pathogenic.

Literature cited by the submitters: PubMed 16199547; PubMed 18303054; PubMed 24173031.